The following is an entry in ClinVar:

ClinVar aggregate classification (germline): Uncertain significance (1 of 4 stars; one submission).

Submission:

GeneDx
Classification: Uncertain significance. Last evaluated: 2024-06-07. Review status: criteria provided, single submitter. Criteria: GeneDx Variant Classification Process June 2021. Collection method: clinical testing. Allele origin: germline. Affected: yes.
Comment: Not observed at significant frequency in large population cohorts (gnomAD); In silico analysis indicates that this missense variant does not alter protein structure/function; Has not been previously published as pathogenic or benign to our knowledge

NM_001009944.3(PKD1):c.11952C>G (p.Ser3984Arg)

Gene: PKD1 (polycystin 1, transient receptor potential channel interacting; minus strand). Cytogenetic location: 16p13.3.
Variant type: single nucleotide variant.
Coding change: c.11952C>G on transcript NM_001009944.3 (MANE Select); coding-DNA position 11952, C replaced by G.
Protein change: p.Ser3984Arg; replaces serine 3984 with arginine.
Molecular consequence: missense variant.
Genome position (GRCh38, 1-based): chr16:2,090,935, G>C on the plus strand (C>G on the coding strand, the complement: PKD1 is on the minus strand). VCF-style: chr16-2090935-G-C. GRCh37 (hg19) VCF-style: chr16-2140936-G-C.
Other names: c.11949C>G, p.Ser3983Arg (NM_000296.4); short protein forms S3983R, S3984R.
Identifiers: ClinVar variation 3384236 (VCV003384236.1).